The following is an entry in ClinVar:

ClinVar aggregate classification (germline): Uncertain significance. Review status: criteria provided, multiple submitters, no conflicts (2 of 4 stars). 2 submissions from 2 submitters: Uncertain significance (2). Last evaluated 2023-12-30.

Conditions:
Inborn genetic diseases. Identifiers: MedGen C0950123, MeSH D030342.
Seckel syndrome 1 (SCKL1). Also called: MICROCEPHALIC PRIMORDIAL DWARFISM I. Identifiers: Orphanet 808, MedGen C4551474, MONDO:0008869, OMIM 210600.
Familial cutaneous telangiectasia and oropharyngeal predisposition cancer syndrome. Identifiers: Orphanet 313846, MedGen C3281203, MONDO:0013806, OMIM 614564.

Allele frequency attached by ClinVar (database versions not stated): TOPMed below 0.00001.

Submissions (2):

Fulgent Genetics
Classification: Uncertain significance for Seckel syndrome 1; Familial cutaneous telangiectasia and oropharyngeal predisposition cancer syndrome. Last evaluated: 2023-12-30. Review status: criteria provided, single submitter. Criteria: ACMG Guidelines, 2015. Collection method: clinical testing. Allele origin: germline.

Ambry Genetics
Classification: Uncertain significance for Inborn genetic diseases. Last evaluated: 2023-06-24. Review status: criteria provided, single submitter. Criteria: Ambry Variant Classification Scheme 2023. Collection method: clinical testing. Allele origin: germline.
Comment: The p.V505L variant (also known as c.1513G>C), located in coding exon 6 of the ATR gene, results from a G to C substitution at nucleotide position 1513. The valine at codon 505 is replaced by leucine, an amino acid with highly similar properties. This amino acid position is conserved. In addition, this alteration is predicted to be tolerated by in silico analysis. Since supporting evidence is limited at this time, the clinical significance of this alteration remains unclear.

NM_001184.4(ATR):c.1513G>C (p.Val505Leu)

Gene: ATR (ATR checkpoint kinase; minus strand). Cytogenetic location: 3q23.
Variant type: single nucleotide variant.
Coding change: c.1513G>C on transcript NM_001184.4 (MANE Select); coding-DNA position 1513, G replaced by C.
Protein change: p.Val505Leu; replaces valine 505 with leucine.
Molecular consequence: missense variant. On other transcripts: intron variant (1).
Genome position (GRCh38, 1-based): chr3:142,560,291, C>G on the plus strand (G>C on the coding strand, the complement: ATR is on the minus strand). VCF-style: chr3-142560291-C-G. GRCh37 (hg19) VCF-style: chr3-142279133-C-G.
Other names: c.1350-850G>C (NM_001354579.2); short protein forms V505L.
Identifiers: ClinVar variation 2587549 (VCV002587549.3), dbSNP rs1198722562, ClinGen allele CA354822624.
Genomic context (GRCh38, chr3:142,560,291, plus strand): 5'-CCCAACCCCAAGAAACAAGAAGTTTGTTTTACCAGTTCATGTTTTGATGAGAACAATGAA[C>G]AGTACACAGAGCAGTCAGTTGTAAGACAACAGCAATTCCTTCTAACATCTCAATAACAGG-3'
Protein context (NP_001175.2, residues 495-515): VVLQLTALCT[Val505Leu]HCSHQNMNCR